The following is an entry in ClinVar:

NM_007144.3(PCGF2):c.725C>T (p.Pro242Leu)

Genes: CISD3 (CDGSH iron sulfur domain 3; plus strand), PCGF2 (polycomb group ring finger 2; minus strand). Cytogenetic location: 17q12.
Variant type: single nucleotide variant.
Coding change: c.725C>T on transcript NM_007144.3 (MANE Select); coding-DNA position 725, C replaced by T.
Protein change: p.Pro242Leu; replaces proline 242 with leucine.
Molecular consequence: missense variant. On other transcripts: 3 prime UTR variant (1).
Genome position (GRCh38, 1-based): chr17:38,735,533, G>A on the plus strand (C>T on the coding strand, the complement: PCGF2 is on the minus strand). VCF-style: chr17-38735533-G-A. GRCh37 (hg19) VCF-style: chr17-36891786-G-A.
Other names: c.*2078G>A (NM_001136498.2); c.725C>T, p.Pro242Leu (NM_001369614.1, NM_001369615.1); short protein forms P242L.
Identifiers: ClinVar variation 2663268 (VCV002663268.2), dbSNP rs748390616, ClinGen allele CA8524875.

ClinVar aggregate classification (germline): Uncertain significance (1 of 4 stars; one submission).

Allele frequency attached by ClinVar (database versions not stated): gnomAD exomes below 0.00001; ExAC 0.00002.
gnomAD v4.1: 1 of 1,589,444 alleles (0.000063%); highest among the groups gnomAD compares: South Asian, 0.0011%; no homozygotes.

Submission:

GeneDx
Classification: Uncertain significance. Last evaluated: 2024-11-11. Review status: criteria provided, single submitter. Criteria: GeneDx Variant Classification Process June 2021. Collection method: clinical testing. Allele origin: germline.
Comment: In silico analysis supports that this missense variant has a deleterious effect on protein structure/function; Has not been previously published as pathogenic or benign to our knowledge